The following is an entry in ClinVar:

ClinVar aggregate classification (germline): Benign. Review status: reviewed by expert panel (3 of 4 stars). 9 submissions from 9 submitters: Benign (1). 8 of the submissions do not count toward it. Last evaluated 2017-04-03.

Conditions:
RAF1-related disorder. Also called: RAF1-related disorders; RAF1-related condition.
Cardiovascular phenotype. Identifiers: MedGen CN230736.
RASopathy. Also called: rasopathies; Noonan spectrum disorder. Identifiers: Orphanet 536391, MedGen C5555857, MONDO:0021060.

Allele frequency attached by ClinVar (database versions not stated): ESP Exome Variant Server 0.00008; TOPMed 0.00017; gnomAD exomes 0.00025; ExAC 0.00026; gnomAD 0.00029; 1000 Genomes Project 0.00060; 1000 Genomes Project 30x 0.00078.

Submissions (9):

ClinGen RASopathy Variant Curation Expert Panel
Classification: Benign for Noonan syndrome and Noonan-related syndrome. Last evaluated: 2017-04-03. Review status: reviewed by expert panel. Criteria: ClinGen RASopathy ACMG Specifications v1. Collection method: curation. Allele origin: germline. Inheritance: Autosomal dominant inheritance.
Comment: The filtering allele frequency of the c.212A>G (p.Asn71Ser) variant in the RAF1 gene is 0.14% for Latino chromosomes by the Exome Aggregation Consortium (24/11578 with 95% CI), which is a high enough frequency to be classified as benign based on thresholds defined by the ClinGen RASopathy Expert panel for autosomal dominant RASopathy variants (BA1).

CeGaT Center for Human Genetics Tuebingen
Classification: Likely benign. Last evaluated: 2026-03-01. Review status: criteria provided, single submitter. Criteria: CeGaT Center For Human Genetics Tuebingen Variant Classification Criteria Version 2. Collection method: clinical testing. Allele origin: germline. Affected: yes. Observed: 3 variant alleles. Not counted in ClinVar's aggregate classification.
Comment: RAF1: BS1

Labcorp Genetics (formerly Invitae), Labcorp
Classification: Likely benign for RASopathy. Last evaluated: 2026-01-28. Review status: criteria provided, single submitter. Criteria: Invitae Variant Classification Sherloc (09022015). Collection method: clinical testing. Allele origin: germline. Not counted in ClinVar's aggregate classification.

Blueprint Genetics
Classification: Likely benign. Last evaluated: 2024-02-19. Review status: criteria provided, single submitter. Criteria: ACMG Guidelines, 2015. Collection method: clinical testing. Allele origin: germline. Not counted in ClinVar's aggregate classification.

Women's Health and Genetics/Laboratory Corporation of America, LabCorp
Classification: Benign. Last evaluated: 2021-07-27. Review status: criteria provided, single submitter. Criteria: LabCorp Variant Classification Summary - May 2015. Collection method: clinical testing. Allele origin: germline. Not counted in ClinVar's aggregate classification.
Comment: Variant summary: RAF1 c.212A>G (p.Asn71Ser) results in a conservative amino acid change located in the Raf-like Ras-binding (IPR003116) of the encoded protein sequence. Four of five in-silico tools predict a benign effect of the variant on protein function. The variant allele was found at a frequency of 0.00025 in 251492 control chromosomes, predominantly at a frequency of 0.0014 within the Latino subpopulation in the gnomAD database. The observed variant frequency within Latino control individuals in the gnomAD database is approximately 56 fold of the estimated maximal expected allele frequency for a pathogenic variant in RAF1 causing Noonan Syndrome and Related Conditions phenotype (2.5e-05), strongly suggesting that the variant is a benign polymorphism found primarily in populations of Latino origin. To our knowledge, no occurrence of c.212A>G in individuals affected with Noonan Syndrome and Related Conditions and no experimental evidence demonstrating its impact on protein function have been reported. Four other ClinVar submitters (evaluation after 2014) including an expert panel (ClinGen RASopathy Variant Curation Expert Panel) cite the variant as benign/likely benign. Based on the evidence outlined above, the variant was classified as benign.

Ambry Genetics
Classification: Benign for Cardiovascular phenotype. Last evaluated: 2017-12-28. Review status: criteria provided, single submitter. Criteria: Ambry Variant Classification Scheme 2023. Collection method: clinical testing. Allele origin: germline. Not counted in ClinVar's aggregate classification.

GeneDx
Classification: Benign. Last evaluated: 2016-06-06. Review status: criteria provided, single submitter. Criteria: GeneDx Variant Classification (06012015). Collection method: clinical testing. Allele origin: germline. Affected: yes. Not counted in ClinVar's aggregate classification.
Comment: This variant is considered likely benign or benign based on one or more of the following criteria: it is a conservative change, it occurs at a poorly conserved position in the protein, it is predicted to be benign by multiple in silico algorithms, and/or has population frequency not consistent with disease.

Laboratory for Molecular Medicine, Mass General Brigham Personalized Medicine
Classification: Uncertain significance. Last evaluated: 2013-01-16. Review status: criteria provided, single submitter. Criteria: LMM Criteria. Collection method: clinical testing. Allele origin: germline. Observed: 1 variant allele. Not counted in ClinVar's aggregate classification.
Comment: Variant classified as Uncertain Significance - Favor Benign. The Asn71Ser varian t in RAF1 has not been previously reported in the literature nor previously been identified by our laboratory. This variant has been identified in 0.01% (1/8600 ) of European American chromosomes from a broad population by the NHLBI Exome Se quencing Project (dbSNP rs184022679). Computa tional analyses (biochemical amino acid properties, conservation, AlignGVGD, Pol yPhen2, and SIFT) suggest that the Asn71Ser variant may not impact the normal fu nction of the protein, though this information is not predictive enough to rule out pathogenicity. Of note, the Shrew (a species in the Mammalian class) also ca rries a serine (Ser) at amino acid position 71 in the RAF1 gene. In summary, add itional information is needed to fully assess the clinical significance of this variant.

PreventionGenetics, part of Exact Sciences
Classification: Likely benign for RAF1-related condition. Last evaluated: 2021-12-15. Review status: no assertion criteria provided. Collection method: clinical testing. Allele origin: germline. Not counted in ClinVar's aggregate classification.
Comment: This variant is classified as likely benign based on ACMG/AMP sequence variant interpretation guidelines (Richards et al. 2015 PMID: 25741868, with internal and published modifications).

NM_002880.4(RAF1):c.212A>G (p.Asn71Ser)

Gene: RAF1 (Raf-1 proto-oncogene, serine/threonine kinase; minus strand). Cytogenetic location: 3p25.2.
Variant type: single nucleotide variant.
Coding change: c.212A>G on transcript NM_002880.4 (MANE Select); coding-DNA position 212, A replaced by G.
Protein change: p.Asn71Ser; replaces asparagine 71 with serine.
Molecular consequence: missense variant. On other transcripts: non-coding transcript variant (3), intron variant (4).
Genome position (GRCh38, 1-based): chr3:12,612,058, T>C on the plus strand (A>G on the coding strand, the complement: RAF1 is on the minus strand). VCF-style: chr3-12612058-T-C. GRCh37 (hg19) VCF-style: chr3-12653557-T-C.
Other names: p.N71S:AAT>AGT; NM_002880.3(RAF1):c.212A>G; c.212A>G, p.Asn71Ser (NM_001354689.3, NM_001354690.3, NM_001354693.3); c.78-2723A>G (NM_001354695.3, NM_001354692.3, NM_001354694.3 and 1 more transcripts); short protein forms N71S.
Identifiers: ClinVar variation 40588 (VCV000040588.52), dbSNP rs184022679, ClinGen allele CA134721.
Genomic context (GRCh38, chr3:12,612,058, plus strand): 5'-AGGCCCCTCACCTTGAGTGCTTTCATAAGGCAGTCATGCAAGCTCATTCCATTTCGCACA[T>C]TGACCTACAAACAAAGGACCACCTTTAGGACCAACACAGGCTGCAGCACCCCTTGGAAAG-3'
Protein context (NP_002871.1, residues 61-81): FLPNKQRTVV[Asn71Ser]VRNGMSLHDC